The following is an entry in ClinVar:

NM_000094.4(COL7A1):c.2776C>T (p.Pro926Ser)

Gene: COL7A1 (collagen type VII alpha 1 chain; minus strand). Cytogenetic location: 3p21.31.
Variant type: single nucleotide variant.
Coding change: c.2776C>T on transcript NM_000094.4 (MANE Select); coding-DNA position 2776, C replaced by T.
Protein change: p.Pro926Ser; replaces proline 926 with serine.
Molecular consequence: missense variant.
Genome position (GRCh38, 1-based): chr3:48,587,874, G>A on the plus strand (C>T on the coding strand, the complement: COL7A1 is on the minus strand). VCF-style: chr3-48587874-G-A. GRCh37 (hg19) VCF-style: chr3-48625307-G-A.
Other names: short protein forms P926S.
Identifiers: ClinVar variation 1907430 (VCV001907430.5), dbSNP rs2531241193, ClinGen allele CA352716009.

ClinVar aggregate classification (germline): Uncertain significance (1 of 4 stars; one submission).

Allele frequency attached by ClinVar (database versions not stated): gnomAD exomes below 0.00001.

Submission:

Labcorp Genetics (formerly Invitae), Labcorp
Classification: Uncertain significance. Last evaluated: 2022-09-23. Review status: criteria provided, single submitter. Criteria: Invitae Variant Classification Sherloc (09022015). Collection method: clinical testing. Allele origin: germline.
Comment: This sequence change replaces proline, which is neutral and non-polar, with serine, which is neutral and polar, at codon 926 of the COL7A1 protein (p.Pro926Ser). This variant is not present in population databases (gnomAD no frequency). This variant has not been reported in the literature in individuals affected with COL7A1-related conditions. Advanced modeling of protein sequence and biophysical properties (such as structural, functional, and spatial information, amino acid conservation, physicochemical variation, residue mobility, and thermodynamic stability) performed at Invitae indicates that this missense variant is not expected to disrupt COL7A1 protein function. In summary, the available evidence is currently insufficient to determine the role of this variant in disease. Therefore, it has been classified as a Variant of Uncertain Significance.